The following is an entry in ClinVar:

ClinVar aggregate classification (germline): Uncertain significance. Review status: criteria provided, multiple submitters, no conflicts (2 of 4 stars). 2 submissions from 2 submitters: Uncertain significance (2). Last evaluated 2025-11-26.

Conditions:
Inborn genetic diseases. Identifiers: MedGen C0950123, MeSH D030342.

Allele frequency attached by ClinVar (database versions not stated): ExAC 0.00002; gnomAD exomes 0.00003.
gnomAD v4.1: 64 of 1,614,048 alleles (0.004%); highest among the groups gnomAD compares: Middle Eastern, 0.066%; no homozygotes.

Submissions (2):

Ambry Genetics
Classification: Uncertain significance for Inborn genetic diseases. Last evaluated: 2025-11-26. Review status: criteria provided, single submitter. Criteria: Ambry Variant Classification Scheme 2023. Collection method: clinical testing. Allele origin: germline.

Labcorp Genetics (formerly Invitae), Labcorp
Classification: Uncertain significance. Last evaluated: 2024-10-22. Review status: criteria provided, single submitter. Criteria: Invitae Variant Classification Sherloc (09022015). Collection method: clinical testing. Allele origin: germline.
Comment: This sequence change replaces arginine, which is basic and polar, with glutamine, which is neutral and polar, at codon 894 of the CNTNAP1 protein (p.Arg894Gln). This variant is present in population databases (rs529982247, gnomAD 0.006%). This variant has not been reported in the literature in individuals affected with CNTNAP1-related conditions. ClinVar contains an entry for this variant (Variation ID: 1347068). An algorithm developed to predict the effect of missense changes on protein structure and function (PolyPhen-2) suggests that this variant is likely to be tolerated. In summary, the available evidence is currently insufficient to determine the role of this variant in disease. Therefore, it has been classified as a Variant of Uncertain Significance.

NM_003632.3(CNTNAP1):c.2681G>A (p.Arg894Gln)

Gene: CNTNAP1 (contactin associated protein 1; plus strand). Cytogenetic location: 17q21.2.
Variant type: single nucleotide variant.
Coding change: c.2681G>A on transcript NM_003632.3 (MANE Select); coding-DNA position 2681, G replaced by A.
Protein change: p.Arg894Gln; replaces arginine 894 with glutamine.
Molecular consequence: missense variant.
Genome position (GRCh38, 1-based): chr17:42,692,649, G>A. VCF-style: chr17-42692649-G-A. GRCh37 (hg19) VCF-style: chr17-40844667-G-A.
Other names: c.2681G>A (NM_003632.2); short protein forms R894Q.
Identifiers: ClinVar variation 1347068 (VCV001347068.8), dbSNP rs529982247, ClinGen allele CA8582117.